The following is an entry in ClinVar:

ClinVar aggregate classification (germline): Pathogenic (1 of 4 stars; one submission).

Allele frequency attached by ClinVar (database versions not stated): gnomAD 0.00002; ExAC 0.00003; gnomAD exomes 0.00003 and 0.00004; TOPMed 0.00003.
gnomAD v4.1: 53 of 1,614,012 alleles (0.0033%); highest among the groups gnomAD compares: East Asian, 0.0089%; no homozygotes.

Submission:

Labcorp Genetics (formerly Invitae), Labcorp
Classification: Pathogenic. Last evaluated: 2019-04-01. Review status: criteria provided, single submitter. Criteria: Invitae Variant Classification Sherloc (09022015). Collection method: clinical testing. Allele origin: germline.
Comment: This sequence change creates a premature translational stop signal (p.Arg274*) in the IFT52 gene. It is expected to result in an absent or disrupted protein product. This variant is present in population databases (rs757301165, ExAC 0.03%). This variant has not been reported in the literature in individuals with IFT52-related disease. Loss-of-function variants in IFT52 are known to be pathogenic (PMID: 27466190, 26880018). For these reasons, this variant has been classified as Pathogenic.

NM_016004.5(IFT52):c.820C>T (p.Arg274Ter)

Gene: IFT52 (intraflagellar transport 52; plus strand). Cytogenetic location: 20q13.12.
Variant type: single nucleotide variant.
Coding change: c.820C>T on transcript NM_016004.5 (MANE Select); coding-DNA position 820, C replaced by T.
Protein change: p.Arg274Ter; replaces arginine 274 with a stop codon.
Molecular consequence: nonsense.
Genome position (GRCh38, 1-based): chr20:43,623,942, C>T. VCF-style: chr20-43623942-C-T. GRCh37 (hg19) VCF-style: chr20-42252582-C-T.
Other names: c.820C>T, p.Arg274Ter (NM_001303458.3, NM_001303459.3); c.292C>T, p.Arg98Ter (NM_001323578.2, NM_001323580.2); c.169C>T, p.Arg57Ter (NM_001323579.2, NM_001323581.2); short protein forms R274*, R57*, R98*.
Identifiers: ClinVar variation 964973 (VCV000964973.1), dbSNP rs757301165, ClinGen allele CA9867015.